The following is an entry in ClinVar:

ClinVar aggregate classification (germline): Uncertain significance (1 of 4 stars; one submission).

Submission:

Labcorp Genetics (formerly Invitae), Labcorp
Classification: Uncertain significance. Last evaluated: 2023-03-01. Review status: criteria provided, single submitter. Criteria: Invitae Variant Classification Sherloc (09022015). Collection method: clinical testing. Allele origin: unknown.
Comment: This variant results in a copy number gain of the genomic region encompassing exon(s) 2-6 of the DMXL2 gene. While the exact position of this variant cannot be determined from the data, sub-genic copy number gains are generally in tandem (PMID: 25640679). This variant is predicted to be in-frame, and likely preserves the integrity of the reading frame. This variant has not been reported in the literature in individuals affected with DMXL2-related conditions. In summary, the available evidence is currently insufficient to determine the role of this variant in disease. Therefore, it has been classified as a Variant of Uncertain Significance.

Literature cited by the submitters: PubMed 25640679.

NC_000015.9:g.(?_51855558)_(51868398_?)dup

Gene: DMXL2 (Dmx like 2; minus strand). Cytogenetic location: 15q21.2.
Variant type: Duplication.
Identifiers: ClinVar variation 3243868 (VCV003243868.1).